The following is an entry in ClinVar:

NM_000090.4(COL3A1):c.3695A>G (p.Asp1232Gly)

Gene: COL3A1 (collagen type III alpha 1 chain; plus strand). Cytogenetic location: 2q32.2.
Variant type: single nucleotide variant.
Coding change: c.3695A>G on transcript NM_000090.4 (MANE Select); coding-DNA position 3695, A replaced by G.
Protein change: p.Asp1232Gly; replaces aspartic acid 1232 with glycine.
Molecular consequence: missense variant.
Genome position (GRCh38, 1-based): chr2:189,009,093, A>G. VCF-style: chr2-189009093-A-G. GRCh37 (hg19) VCF-style: chr2-189873819-A-G.
Other names: short protein forms D1232G.
Identifiers: ClinVar variation 2842245 (VCV002842245.3), dbSNP rs2469166256, ClinGen allele CA349847178.

ClinVar aggregate classification (germline): Uncertain significance (1 of 4 stars; one submission).

Conditions:
Ehlers-Danlos syndrome, type 4 (EDSVASC). Also called: Ehlers-Danlos syndrome vascular type; Ehlers Danlos syndrome, ecchymotic type; Ehlers Danlos syndrome, arterial type; Ehlers Danlos syndrome, Sack-Barabas type; Ehlers-Danlos Syndrome Type IV. Identifiers: Orphanet 286, MedGen C0268338, MONDO:0017314, OMIM 130050.

Submission:

Labcorp Genetics (formerly Invitae), Labcorp
Classification: Uncertain significance for Ehlers-Danlos syndrome, type 4. Last evaluated: 2024-05-21. Review status: criteria provided, single submitter. Criteria: Invitae Variant Classification Sherloc (09022015). Collection method: clinical testing. Allele origin: germline.
Comment: This sequence change replaces aspartic acid, which is acidic and polar, with glycine, which is neutral and non-polar, at codon 1232 of the COL3A1 protein (p.Asp1232Gly). This variant is not present in population databases (gnomAD no frequency). This variant has not been reported in the literature in individuals affected with COL3A1-related conditions. Advanced modeling of protein sequence and biophysical properties (such as structural, functional, and spatial information, amino acid conservation, physicochemical variation, residue mobility, and thermodynamic stability) performed at Invitae indicates that this missense variant is not expected to disrupt COL3A1 protein function with a negative predictive value of 95%. Algorithms developed to predict the effect of sequence changes on RNA splicing suggest that this variant may disrupt the consensus splice site. In summary, the available evidence is currently insufficient to determine the role of this variant in disease. Therefore, it has been classified as a Variant of Uncertain Significance.